The following is an entry in ClinVar:

ClinVar aggregate classification (germline): Uncertain significance. Review status: criteria provided, multiple submitters, no conflicts (2 of 4 stars). 2 submissions from 2 submitters: Uncertain significance (2). Last evaluated 2024-02-14.

Conditions:
Nephrotic syndrome, type 2 (NPHS2). Also called: NEPHROTIC SYNDROME, STEROID-RESISTANT, AUTOSOMAL RECESSIVE. Identifiers: Orphanet 656, MedGen C1868672, MONDO:0010974, OMIM 600995.

Allele frequency attached by ClinVar (database versions not stated): ExAC 0.00005; gnomAD exomes 0.00014; gnomAD 0.00015; TOPMed 0.00015.
gnomAD v4.1: 226 of 1,613,984 alleles (0.014%); highest among the groups gnomAD compares: Non-Finnish European, 0.018%; no homozygotes.

Submissions (2):

Fulgent Genetics
Classification: Uncertain significance for Nephrotic syndrome, type 2. Last evaluated: 2024-02-14. Review status: criteria provided, single submitter. Criteria: ACMG Guidelines, 2015. Collection method: clinical testing. Allele origin: germline.

Labcorp Genetics (formerly Invitae), Labcorp
Classification: Uncertain significance. Last evaluated: 2021-09-17. Review status: criteria provided, single submitter. Criteria: Invitae Variant Classification Sherloc (09022015). Collection method: clinical testing. Allele origin: germline.
Comment: This sequence change replaces lysine with arginine at codon 377 of the NPHS2 protein (p.Lys377Arg). The lysine residue is weakly conserved and there is a small physicochemical difference between lysine and arginine. This variant is present in population databases (rs770990923, ExAC 0.009%). This variant has not been reported in the literature in individuals with NPHS2-related conditions. Algorithms developed to predict the effect of missense changes on protein structure and function output the following: SIFT: "Tolerated"; PolyPhen-2: "Benign"; Align-GVGD: "Class C0". The arginine amino acid residue is found in multiple mammalian species, suggesting that this missense change does not adversely affect protein function. These predictions have not been confirmed by published functional studies and their clinical significance is uncertain. Algorithms developed to predict the effect of sequence changes on RNA splicing suggest that this variant may create or strengthen a splice site, but this prediction has not been confirmed by published transcriptional studies. In summary, the available evidence is currently insufficient to determine the role of this variant in disease. Therefore, it has been classified as a Variant of Uncertain Significance.

NM_014625.4(NPHS2):c.1130A>G (p.Lys377Arg)

Genes: AXDND1 (axonemal dynein light chain domain containing 1; plus strand), NPHS2 (NPHS2 stomatin family member, podocin; minus strand). Cytogenetic location: 1q25.2.
Variant type: single nucleotide variant.
Coding change: c.1130A>G on transcript NM_014625.4 (MANE Select); coding-DNA position 1130, A replaced by G.
Protein change: p.Lys377Arg; replaces lysine 377 with arginine.
Molecular consequence: missense variant. On other transcripts: intron variant (1).
Genome position (GRCh38, 1-based): chr1:179,551,195, T>C on the plus strand (A>G on the coding strand, the complement: NPHS2 is on the minus strand). VCF-style: chr1-179551195-T-C. GRCh37 (hg19) VCF-style: chr1-179520330-T-C.
Other names: c.926A>G, p.Lys309Arg (NM_001297575.2); c.3032-3317T>C (NM_144696.6); short protein forms K309R, K377R.
Identifiers: ClinVar variation 2065715 (VCV002065715.2), dbSNP rs770990923, ClinGen allele CA1267020.